The following is an entry in ClinVar:

NM_018979.4(WNK1):c.6428A>G (p.Asn2143Ser)

Gene: WNK1 (WNK lysine deficient protein kinase 1; plus strand). Cytogenetic location: 12p13.33.
Variant type: single nucleotide variant.
Coding change: c.6428A>G on transcript NM_018979.4 (MANE Select); coding-DNA position 6428, A replaced by G.
Protein change: p.Asn2143Ser; replaces asparagine 2143 with serine.
Molecular consequence: missense variant.
Genome position (GRCh38, 1-based): chr12:897,661, A>G. VCF-style: chr12-897661-A-G. GRCh37 (hg19) VCF-style: chr12-1006827-A-G.
Other names: c.7208A>G, p.Asn2403Ser (NM_001184985.2); c.5684A>G, p.Asn1895Ser (NM_014823.3); c.7184A>G, p.Asn2395Ser (NM_213655.5); short protein forms N1895S, N2395S, N2403S, N2143S.
Identifiers: ClinVar variation 2083778 (VCV002083778.4), dbSNP rs761800222, ClinGen allele CA6383398.

ClinVar aggregate classification (germline): Uncertain significance (1 of 4 stars; one submission).

Conditions:
Neuropathy, hereditary sensory and autonomic, type 2A (HSAN2A). Also called: ACROOSTEOLYSIS, GIACCAI TYPE; ACROOSTEOLYSIS, NEUROGENIC; MORVAN DISEASE; NEUROPATHY, CONGENITAL SENSORY; NEUROPATHY, HEREDITARY SENSORY RADICULAR, AUTOSOMAL RECESSIVE; NEUROPATHY, HEREDITARY SENSORY, TYPE IIA. Identifiers: Orphanet 970, MedGen C2752089, MONDO:0024309, OMIM 201300.
Pseudohypoaldosteronism type 2C (PHA2C). Also called: Pseudohypoaldosteronism Type IIC. Identifiers: Orphanet 757, Orphanet 88940, MedGen C1840391, MONDO:0013778, OMIM 614492.

Allele frequency attached by ClinVar (database versions not stated): gnomAD 0.00001; gnomAD exomes 0.00001; ExAC 0.00002; TOPMed 0.00002.
gnomAD v4.1: 12 of 1,614,104 alleles (0.00074%); highest among the groups gnomAD compares: Admixed American, 0.012%; no homozygotes.

Submission:

Labcorp Genetics (formerly Invitae), Labcorp
Classification: Uncertain significance for Neuropathy, hereditary sensory and autonomic, type 2A; Pseudohypoaldosteronism type 2C. Last evaluated: 2023-11-07. Review status: criteria provided, single submitter. Criteria: Invitae Variant Classification Sherloc (09022015). Collection method: clinical testing. Allele origin: germline.
Comment: This sequence change replaces asparagine, which is neutral and polar, with serine, which is neutral and polar, at codon 2395 of the WNK1 protein (p.Asn2395Ser). This variant is present in population databases (rs761800222, gnomAD 0.01%). This variant has not been reported in the literature in individuals affected with WNK1-related conditions. ClinVar contains an entry for this variant (Variation ID: 2083778). Advanced modeling of protein sequence and biophysical properties (such as structural, functional, and spatial information, amino acid conservation, physicochemical variation, residue mobility, and thermodynamic stability) performed at Invitae indicates that this missense variant is not expected to disrupt WNK1 protein function with a negative predictive value of 95%. In summary, the available evidence is currently insufficient to determine the role of this variant in disease. Therefore, it has been classified as a Variant of Uncertain Significance.